The following is an entry in ClinVar:

NM_024675.4(PALB2):c.2698G>C (p.Ala900Pro)

Gene: PALB2 (partner and localizer of BRCA2; minus strand). Cytogenetic location: 16p12.2.
Variant type: single nucleotide variant.
Coding change: c.2698G>C on transcript NM_024675.4 (MANE Select); coding-DNA position 2698, G replaced by C.
Protein change: p.Ala900Pro; replaces alanine 900 with proline.
Molecular consequence: missense variant.
Genome position (GRCh38, 1-based): chr16:23,626,286, C>G on the plus strand (G>C on the coding strand, the complement: PALB2 is on the minus strand). VCF-style: chr16-23626286-C-G. GRCh37 (hg19) VCF-style: chr16-23637607-C-G.
Other names: short protein forms A900P.
Identifiers: ClinVar variation 570425 (VCV000570425.16), dbSNP rs1555459946, ClinGen allele CA395121953.

ClinVar aggregate classification (germline): Conflicting classifications of pathogenicity. Review status: criteria provided, conflicting classifications (1 of 4 stars). 4 submissions from 4 submitters: Uncertain significance (1); Likely benign (1). 2 of the submissions do not count toward it. Last evaluated 2024-04-03.

Conditions:
Hereditary cancer-predisposing syndrome. Also called: Hereditary neoplastic syndrome; Tumor predisposition; Neoplastic Syndromes, Hereditary; Hereditary Cancer Syndrome. Identifiers: Orphanet 140162, MedGen C0027672, MeSH D009386, MONDO:0015356.
Familial cancer of breast. Also called: hereditary breast carcinoma; BREAST CANCER, FAMILIAL; Hereditary breast cancer. Identifiers: Orphanet 227535, MedGen C0346153, MONDO:0016419, OMIM 114480. Disease mechanism: loss of function.

Submissions (4):

Labcorp Genetics (formerly Invitae), Labcorp
Classification: Uncertain significance for Familial cancer of breast. Last evaluated: 2024-04-03. Review status: criteria provided, single submitter. Criteria: Invitae Variant Classification Sherloc (09022015). Collection method: clinical testing. Allele origin: germline.
Comment: This sequence change replaces alanine, which is neutral and non-polar, with proline, which is neutral and non-polar, at codon 900 of the PALB2 protein (p.Ala900Pro). This variant is not present in population databases (gnomAD no frequency). This variant has not been reported in the literature in individuals affected with PALB2-related conditions. ClinVar contains an entry for this variant (Variation ID: 570425). Advanced modeling of protein sequence and biophysical properties (such as structural, functional, and spatial information, amino acid conservation, physicochemical variation, residue mobility, and thermodynamic stability) performed at Invitae indicates that this missense variant is not expected to disrupt PALB2 protein function with a negative predictive value of 80%. In summary, the available evidence is currently insufficient to determine the role of this variant in disease. Therefore, it has been classified as a Variant of Uncertain Significance.

Ambry Genetics
Classification: Likely benign for Hereditary cancer-predisposing syndrome. Last evaluated: 2018-01-30. Review status: criteria provided, single submitter. Criteria: Ambry Variant Classification Scheme 2023. Collection method: clinical testing. Allele origin: germline.

Genome Diagnostics Laboratory, Amsterdam University Medical Center
Classification: Likely benign. Review status: no assertion criteria provided. Collection method: clinical testing. Allele origin: germline. Affected: yes. Study: VKGL Data-share Consensus. Not counted in ClinVar's aggregate classification.

Joint Genome Diagnostic Labs from Nijmegen and Maastricht, Radboudumc and MUMC+
Classification: Likely benign. Review status: no assertion criteria provided. Collection method: clinical testing. Allele origin: germline. Affected: yes. Study: VKGL Data-share Consensus. Not counted in ClinVar's aggregate classification.